The following is an entry in ClinVar:

ClinVar aggregate classification (germline): Likely benign (0 of 4 stars; one submission).

Conditions:
GAPVD1-related disorder. Also called: GAPVD1-related condition.

Allele frequency attached by ClinVar (database versions not stated): gnomAD exomes 0.00002; gnomAD 0.00003; ExAC 0.00005; TOPMed 0.00006.
gnomAD v4.1: 34 of 1,613,682 alleles (0.0021%); highest among the groups gnomAD compares: Admixed American, 0.055%; 1 homozygote.

Submission:

PreventionGenetics, part of Exact Sciences
Classification: Likely benign for GAPVD1-related condition. Last evaluated: 2023-11-06. Review status: no assertion criteria provided. Collection method: clinical testing. Allele origin: germline.
Comment: This variant is classified as likely benign based on ACMG/AMP sequence variant interpretation guidelines (Richards et al. 2015 PMID: 25741868, with internal and published modifications).

NM_001282680.3(GAPVD1):c.1083C>T (p.Pro361=)

Gene: GAPVD1 (GTPase activating protein and VPS9 domains 1; plus strand). Cytogenetic location: 9q33.3.
Variant type: single nucleotide variant.
Coding change: c.1083C>T on transcript NM_001282680.3 (MANE Select); coding-DNA position 1083, C replaced by T.
Protein change: p.Pro361=; no amino-acid change (proline 361 retained).
Molecular consequence: synonymous variant. On other transcripts: non-coding transcript variant (2).
Genome position (GRCh38, 1-based): chr9:125,305,116, C>T. VCF-style: chr9-125305116-C-T. GRCh37 (hg19) VCF-style: chr9-128067395-C-T.
Other names: c.1083C>T, p.Pro361= (NM_001282679.2, NM_001282681.3, NM_001330777.3 and 11 more transcripts).
Identifiers: ClinVar variation 3036419 (VCV003036419.2), dbSNP rs762576127, ClinGen allele CA5240062.